The following is an entry in ClinVar:

ClinVar aggregate classification (germline): Pathogenic (1 of 4 stars; one submission).

Conditions:
Cardiovascular phenotype. Identifiers: MedGen CN230736.

Submission:

Ambry Genetics
Classification: Pathogenic for Cardiovascular phenotype. Last evaluated: 2022-03-28. Review status: criteria provided, single submitter. Criteria: Ambry Variant Classification Scheme 2023. Collection method: clinical testing. Allele origin: germline.
Comment: The c.1963_1967delGAAAT pathogenic mutation, located in coding exon 15 of the RASA1 gene, results from a deletion of 5 nucleotides at nucleotide positions 1963 to 1967, causing a translational frameshift with a predicted alternate stop codon (p.E655Nfs*3). This alteration has been observed in at least one individual with a personal and/or family history that is consistent with RASA1-related disease (Ambry internal data). This variant is considered to be rare based on population cohorts in the Genome Aggregation Database (gnomAD). This alteration is expected to result in loss of function by premature protein truncation or nonsense-mediated mRNA decay. As such, this alteration is interpreted as a disease-causing mutation.

NM_002890.3(RASA1):c.1963_1967del (p.Glu655fs)

Genes: CCNH (cyclin H; minus strand), RASA1 (RAS p21 protein activator 1; plus strand). Cytogenetic location: 5q14.3.
Variant type: Deletion.
Coding change: c.1963_1967del on transcript NM_002890.3 (MANE Select); coding-DNA positions 1963 to 1967, 5 bases deleted (GAAAT; older notation c.1963_1967delGAAAT).
Protein change: p.Glu655fs; shifts the reading frame from glutamic acid 655.
Molecular consequence: frameshift variant. On other transcripts: intron variant (1).
Genome position (GRCh38, 1-based): chr5:87,374,868-87,374,872, GAAAT deleted; deleting any 5 consecutive bases within chr5:87,374,867-87,374,872 gives the same sequence; the c. name uses the placement nearest the transcript's 3' end. VCF-style (leftmost placement, unchanged base first): chr5-87374866-TTGAAA-T. GRCh37 (hg19) VCF-style: chr5-86670683-TTGAAA-T.
Other names: c.1432_1436del, p.Glu478fs (NM_022650.3); c.933+20173_933+20177del (NM_001364075.2); c.1963_1967delGAAAT (NM_002890.3); short protein forms E655fs, E478fs.
Identifiers: ClinVar variation 1783475 (VCV001783475.2), dbSNP rs2531341953, ClinGen allele CA2580073687.